The following is an entry in ClinVar:

NM_000393.5(COL5A2):c.3283G>A (p.Gly1095Arg)

Gene: COL5A2 (collagen type V alpha 2 chain; minus strand). Cytogenetic location: 2q32.2.
Variant type: single nucleotide variant.
Coding change: c.3283G>A on transcript NM_000393.5 (MANE Select); coding-DNA position 3283, G replaced by A.
Protein change: p.Gly1095Arg; replaces glycine 1095 with arginine.
Molecular consequence: missense variant.
Genome position (GRCh38, 1-based): chr2:189,045,826, C>T on the plus strand (G>A on the coding strand, the complement: COL5A2 is on the minus strand). VCF-style: chr2-189045826-C-T. GRCh37 (hg19) VCF-style: chr2-189910552-C-T.
Other names: short protein forms G1095R.
Identifiers: ClinVar variation 655625 (VCV000655625.10), dbSNP rs1576490680, ClinGen allele CA349862512.

ClinVar aggregate classification (germline): Uncertain significance (1 of 4 stars; one submission).

Conditions:
Ehlers-Danlos syndrome, classic type, 1 (EDSCL1). Also called: EDS I; EHLERS-DANLOS SYNDROME, GRAVIS TYPE; EHLERS-DANLOS SYNDROME, SEVERE CLASSIC TYPE; Ehlers-Danlos Syndrome, Classic Type, COL5A1-Related; Ehlers-Danlos syndrome, type 1. Identifiers: MedGen C0268335, MONDO:0019567, OMIM 130000.

Submission:

Labcorp Genetics (formerly Invitae), Labcorp
Classification: Uncertain significance for Ehlers-Danlos syndrome, classic type, 1. Last evaluated: 2018-11-20. Review status: criteria provided, single submitter. Criteria: Invitae Variant Classification Sherloc (09022015). Collection method: clinical testing. Allele origin: germline.
Comment: In summary, the available evidence is currently insufficient to determine the role of this variant in disease. Therefore, it has been classified as a Variant of Uncertain Significance. Algorithms developed to predict the effect of sequence changes on RNA splicing suggest that this variant may create or strengthen a splice site, but this prediction has not been confirmed by published transcriptional studies. Algorithms developed to predict the effect of missense changes on protein structure and function are either unavailable or do not agree on the potential impact of this missense change (SIFT: "Deleterious"; PolyPhen-2: "Not Available"; Align-GVGD: "Class C65"). This variant has not been reported in the literature in individuals with COL5A2-related disease. This variant is not present in population databases (ExAC no frequency). This sequence change replaces glycine with arginine at codon 1095 of the COL5A2 protein (p.Gly1095Arg). The glycine residue is highly conserved and there is a moderate physicochemical difference between glycine and arginine.